The following is an entry in ClinVar:

NM_000059.4(BRCA2):c.1981A>G (p.Ser661Gly)

Gene: BRCA2 (BRCA2 DNA repair associated; plus strand). Cytogenetic location: 13q13.1.
Variant type: single nucleotide variant.
Coding change: c.1981A>G on transcript NM_000059.4 (MANE Select); coding-DNA position 1981, A replaced by G.
Protein change: p.Ser661Gly; replaces serine 661 with glycine.
Molecular consequence: missense variant.
Genome position (GRCh38, 1-based): chr13:32,336,336, A>G. VCF-style: chr13-32336336-A-G. GRCh37 (hg19) VCF-style: chr13-32910473-A-G.
Other names: short protein forms S661G.
Identifiers: ClinVar variation 924885 (VCV000924885.4), dbSNP rs2072448315, ClinGen allele CA387768597.

ClinVar aggregate classification (germline): Conflicting classifications of pathogenicity. Review status: criteria provided, conflicting classifications (1 of 4 stars). 2 submissions from 2 submitters: Uncertain significance (1); Likely benign (1). Last evaluated 2023-03-23.

Conditions:
Hereditary cancer-predisposing syndrome. Also called: Neoplastic Syndromes, Hereditary; Tumor predisposition; Hereditary Cancer Syndrome; Hereditary neoplastic syndrome. Identifiers: Orphanet 140162, MedGen C0027672, MeSH D009386, MONDO:0015356.

Allele frequency attached by ClinVar (database versions not stated): gnomAD exomes below 0.00001.
gnomAD v4.1: 3 of 1,605,472 alleles (0.00019%); highest among the groups gnomAD compares: Non-Finnish European, 0.00026%; no homozygotes.

Submissions (2):

University of Washington Department of Laboratory Medicine, University of Washington
Classification: Likely benign for Hereditary cancer-predisposing syndrome. Last evaluated: 2023-03-23. Review status: criteria provided, single submitter. Criteria: Dines et al. (Genet Med. 2020). Collection method: curation. Allele origin: germline.
Comment: Missense variant in a coldspot region where missense variants are very unlikely to be pathogenic (PMID:31911673).

BRCA2 exon 11 coldspot. Reclassification based on statistical prior probability.

Color Diagnostics, LLC DBA Color Health
Classification: Uncertain significance for Hereditary cancer-predisposing syndrome. Last evaluated: 2019-05-29. Review status: criteria provided, single submitter. Criteria: ACMG Guidelines, 2015. Collection method: clinical testing. Allele origin: germline.